The following is an entry in ClinVar:

ClinVar aggregate classification (germline): Likely benign. Review status: criteria provided, multiple submitters, no conflicts (2 of 4 stars). 4 submissions from 4 submitters: Likely benign (4). Last evaluated 2025-06-19.

Conditions:
Hereditary spastic paraplegia 30. Identifiers: Orphanet 101010, MedGen C5235139, MONDO:0012476.
Neuropathy, hereditary sensory, type 2C. Also called: Hereditary sensory and autonomic neuropathy type IIC; KIF1A-Related HSAN2 (HSAN2C). Identifiers: Orphanet 970, MedGen C3280168, MONDO:0013634, OMIM 614213.
Intellectual disability, autosomal dominant 9 (NESCAVS). Also called: NESCAV SYNDROME; KIF1A-Related Neurodevelopmental Disorder. Identifiers: Orphanet 662367, MedGen C5393830, MONDO:0013656, OMIM 614255.
Inborn genetic diseases. Identifiers: MedGen C0950123, MeSH D030342.

Allele frequency attached by ClinVar (database versions not stated): gnomAD 0.00002; TOPMed 0.00003.
gnomAD v4.1: 9 of 1,548,222 alleles (0.00058%); highest among the groups gnomAD compares: African/African-American, 0.0027%; no homozygotes.

Submissions (4):

Labcorp Genetics (formerly Invitae), Labcorp
Classification: Likely benign for Hereditary spastic paraplegia 30; Neuropathy, hereditary sensory, type 2C; Intellectual disability, autosomal dominant 9. Last evaluated: 2025-06-19. Review status: criteria provided, single submitter. Criteria: Invitae Variant Classification Sherloc (09022015). Collection method: clinical testing. Allele origin: germline.

CeGaT Center for Human Genetics Tuebingen
Classification: Likely benign. Last evaluated: 2024-12-01. Review status: criteria provided, single submitter. Criteria: CeGaT Center For Human Genetics Tuebingen Variant Classification Criteria Version 2. Collection method: clinical testing. Allele origin: germline. Affected: yes. Observed: 1 variant allele.
Comment: KIF1A: BP4, BP7

Blueprint Genetics
Classification: Likely benign. Last evaluated: 2022-04-27. Review status: criteria provided, single submitter. Criteria: ACMG Guidelines, 2015. Collection method: clinical testing. Allele origin: germline.

Ambry Genetics
Classification: Likely benign for Inborn genetic diseases. Last evaluated: 2019-07-11. Review status: criteria provided, single submitter. Criteria: Ambry Variant Classification Scheme 2023. Collection method: clinical testing. Allele origin: germline.

NM_001244008.2(KIF1A):c.4596G>A (p.Pro1532=)

Gene: KIF1A (kinesin family member 1A; minus strand). Cytogenetic location: 2q37.3.
Variant type: single nucleotide variant.
Coding change: c.4596G>A on transcript NM_001244008.2 (MANE Select); coding-DNA position 4596, G replaced by A.
Protein change: p.Pro1532=; no amino-acid change (proline 1532 retained).
Molecular consequence: synonymous variant.
Genome position (GRCh38, 1-based): chr2:240,722,525, C>T on the plus strand (G>A on the coding strand, the complement: KIF1A is on the minus strand). VCF-style: chr2-240722525-C-T. GRCh37 (hg19) VCF-style: chr2-241661942-C-T.
Other names: c.4320G>A, p.Pro1440= (NM_001320705.2, NM_001379649.1); c.4347G>A, p.Pro1449= (NM_001330289.2); c.4395G>A, p.Pro1465= (NM_001330290.2, NM_001379648.1); c.4671G>A, p.Pro1557= (NM_001379631.1); c.4572G>A, p.Pro1524= (NM_001379632.1); c.4569G>A, p.Pro1523= (NM_001379633.1, NM_001379645.1); c.4422G>A, p.Pro1474= (NM_001379634.1); c.4419G>A, p.Pro1473= (NM_001379635.1, NM_001379646.1); and 7 more.
Identifiers: ClinVar variation 532911 (VCV000532911.25), dbSNP rs952512510, ClinGen allele CA68137599.
Genomic context (GRCh38, chr2:240,722,525, plus strand): 5'-CAGCTCCCGCTGCCTCTCGTTGGGAGCCTCCAGGGGTGATGGGCGGCCCTCAGCCGAGAG[C>T]GGGGAGGAGGCGCTGGAGGAGCCATGGGACTCAGAGTCCTCGCTGAAGGCCGGGGACAGT-3'
Protein context (NP_001230937.1, residues 1522-1542): ESHGSSSASS[Pro1532=]LSAEGRPSPL